The following is an entry in ClinVar:

NM_004171.4(SLC1A2):c.986G>C (p.Gly329Ala)

Gene: SLC1A2 (solute carrier family 1 member 2; minus strand). Cytogenetic location: 11p13.
Variant type: single nucleotide variant.
Coding change: c.986G>C on transcript NM_004171.4 (MANE Select); coding-DNA position 986, G replaced by C.
Protein change: p.Gly329Ala; replaces glycine 329 with alanine.
Molecular consequence: missense variant.
Genome position (GRCh38, 1-based): chr11:35,292,392, C>G on the plus strand (G>C on the coding strand, the complement: SLC1A2 is on the minus strand). VCF-style: chr11-35292392-C-G. GRCh37 (hg19) VCF-style: chr11-35313939-C-G.
Other names: c.959G>C, p.Gly320Ala (NM_001195728.3, NM_001252652.2); short protein forms G320A, G329A.
Identifiers: ClinVar variation 2707648 (VCV002707648.3), dbSNP rs747003668, ClinGen allele CA380124872.

ClinVar aggregate classification (germline): Uncertain significance (1 of 4 stars; one submission).

Allele frequency attached by ClinVar (database versions not stated): TOPMed below 0.00001.

Submission:

Labcorp Genetics (formerly Invitae), Labcorp
Classification: Uncertain significance. Last evaluated: 2024-01-11. Review status: criteria provided, single submitter. Criteria: Invitae Variant Classification Sherloc (09022015). Collection method: clinical testing. Allele origin: germline.
Comment: This sequence change replaces glycine, which is neutral and non-polar, with alanine, which is neutral and non-polar, at codon 329 of the SLC1A2 protein (p.Gly329Ala). This variant is not present in population databases (gnomAD no frequency). This variant has not been reported in the literature in individuals affected with SLC1A2-related conditions. Advanced modeling of protein sequence and biophysical properties (such as structural, functional, and spatial information, amino acid conservation, physicochemical variation, residue mobility, and thermodynamic stability) performed at Invitae indicates that this missense variant is not expected to disrupt SLC1A2 protein function with a negative predictive value of 80%. In summary, the available evidence is currently insufficient to determine the role of this variant in disease. Therefore, it has been classified as a Variant of Uncertain Significance.